The following is an entry in ClinVar:

NM_001199397.3(NEK1):c.991G>A (p.Glu331Lys)

Gene: NEK1 (NIMA related kinase 1; minus strand). Cytogenetic location: 4q33.
Variant type: single nucleotide variant.
Coding change: c.991G>A on transcript NM_001199397.3 (MANE Select); coding-DNA position 991, G replaced by A.
Protein change: p.Glu331Lys; replaces glutamic acid 331 with lysine.
Molecular consequence: missense variant. On other transcripts: non-coding transcript variant (2).
Genome position (GRCh38, 1-based): chr4:169,576,957, C>T on the plus strand (G>A on the coding strand, the complement: NEK1 is on the minus strand). VCF-style: chr4-169576957-C-T. GRCh37 (hg19) VCF-style: chr4-170498108-C-T.
Other names: c.991G>A, p.Glu331Lys (NM_001199398.3, NM_001199399.3, NM_001199400.3 and 11 more transcripts); c.370G>A, p.Glu124Lys (NM_001440624.1, NM_001440625.1); short protein forms E331K, E124K.
Identifiers: ClinVar variation 4763784 (VCV004763784.1).

ClinVar aggregate classification (germline): Uncertain significance (1 of 4 stars; one submission).

Conditions:
Short-rib thoracic dysplasia 6 with or without polydactyly (SRTD6). Also called: SHORT-RIB THORACIC DYSPLASIA 6 WITH POLYDACTYLY; SHORT-RIB THORACIC DYSPLASIA 6 WITHOUT POLYDACTYLY; POLYDACTYLY WITH NEONATAL CHONDRODYSTROPHY, TYPE II; Majewski Syndrome; SHORT RIB-POLYDACTYLY SYNDROME, TYPE IIA. Identifiers: MedGen C0024507, MONDO:0009894, OMIM 263520.

gnomAD v4.1: 11 of 1,609,488 alleles (0.00068%); highest among the groups gnomAD compares: South Asian, 0.0033%; no homozygotes.

Submission:

Labcorp Genetics (formerly Invitae), Labcorp
Classification: Uncertain significance for Short-rib thoracic dysplasia 6 with or without polydactyly. Last evaluated: 2025-09-24. Review status: criteria provided, single submitter. Criteria: Invitae Variant Classification Sherloc (09022015). Collection method: clinical testing. Allele origin: germline.
Comment: This sequence change replaces glutamic acid, which is acidic and polar, with lysine, which is basic and polar, at codon 331 of the NEK1 protein (p.Glu331Lys). This variant is present in population databases (rs755410424, gnomAD 0.006%). This variant has not been reported in the literature in individuals affected with NEK1-related conditions. Invitae Evidence Modeling of protein sequence and biophysical properties (such as structural, functional, and spatial information, amino acid conservation, physicochemical variation, residue mobility, and thermodynamic stability) indicates that this missense variant is not expected to disrupt NEK1 protein function with a negative predictive value of 95%. In summary, the available evidence is currently insufficient to determine the role of this variant in disease. Therefore, it has been classified as a Variant of Uncertain Significance.